The following is an entry in ClinVar:

NM_172232.4(ABCA5):c.1062G>A (p.Ser354=)

Gene: ABCA5 (ATP binding cassette subfamily A member 5; minus strand). Cytogenetic location: 17q24.3.
Variant type: single nucleotide variant.
Coding change: c.1062G>A on transcript NM_172232.4 (MANE Select); coding-DNA position 1062, G replaced by A.
Protein change: p.Ser354=; no amino-acid change (serine 354 retained).
Molecular consequence: synonymous variant.
Genome position (GRCh38, 1-based): chr17:69,302,775, C>T on the plus strand (G>A on the coding strand, the complement: ABCA5 is on the minus strand). VCF-style: chr17-69302775-C-T. GRCh37 (hg19) VCF-style: chr17-67298916-C-T.
Other names: c.1062G>A, p.Ser354= (NM_018672.5).
Identifiers: ClinVar variation 725471 (VCV000725471.7), dbSNP rs143655246, ClinGen allele CA8737731.

ClinVar aggregate classification (germline): Likely benign. Review status: criteria provided, multiple submitters, no conflicts (2 of 4 stars). 3 submissions from 3 submitters: Likely benign (2). 1 of the submissions does not count toward it. Last evaluated 2019-12-31.

Conditions:
ABCA5-related disorder. Also called: ABCA5-related condition.

Allele frequency attached by ClinVar (database versions not stated): 1000 Genomes Project 0.00060; 1000 Genomes Project 30x 0.00062; gnomAD exomes 0.00080 and 0.00166; ExAC 0.00086; gnomAD 0.00100 and 0.00104; TOPMed 0.00100; ESP Exome Variant Server 0.00154.
gnomAD v4.1: 2,531 of 1,599,072 alleles (0.16%); highest among the groups gnomAD compares: Non-Finnish European, 0.2%; 3 homozygotes.

Submissions (3):

Labcorp Genetics (formerly Invitae), Labcorp
Classification: Likely benign. Last evaluated: 2019-12-31. Review status: criteria provided, single submitter. Criteria: Invitae Variant Classification Sherloc (09022015). Collection method: clinical testing. Allele origin: germline.

Breakthrough Genomics
Classification: Likely benign. Review status: criteria provided, single submitter. Criteria: ACMG Guidelines, 2015. Collection method: not provided. Allele origin: germline. Inheritance: Autosomal recessive inheritance. Affected: yes.

PreventionGenetics, part of Exact Sciences
Classification: Likely benign for ABCA5-related condition. Last evaluated: 2019-11-25. Review status: no assertion criteria provided. Collection method: clinical testing. Allele origin: germline. Not counted in ClinVar's aggregate classification.
Comment: This variant is classified as likely benign based on ACMG/AMP sequence variant interpretation guidelines (Richards et al. 2015 PMID: 25741868, with internal and published modifications).